The following is an entry in ClinVar:

NM_001395460.1(TENM2):c.2787T>G (p.Val929=)

Gene: TENM2 (teneurin transmembrane protein 2; plus strand). Cytogenetic location: 5q34.
Variant type: single nucleotide variant.
Coding change: c.2787T>G on transcript NM_001395460.1 (MANE Select); coding-DNA position 2787, T replaced by G.
Protein change: p.Val929=; no amino-acid change (valine 929 retained).
Molecular consequence: synonymous variant.
Genome position (GRCh38, 1-based): chr5:168,195,182, T>G. VCF-style: chr5-168195182-T-G. GRCh37 (hg19) VCF-style: chr5-167622187-T-G.
Other names: c.2091T>G, p.Val697= (NM_001080428.3); c.2760T>G, p.Val920= (NM_001122679.2); c.2331T>G, p.Val777= (NM_001368145.1); c.2304T>G, p.Val768= (NM_001368146.1).
Identifiers: ClinVar variation 3024833 (VCV003024833.22), dbSNP rs114168398, ClinGen allele CA3547119.

ClinVar aggregate classification (germline): Benign (1 of 4 stars; one submission).

Allele frequency attached by ClinVar (database versions not stated): 1000 Genomes Project 30x 0.00531; 1000 Genomes Project 0.00559; gnomAD 0.00836; TOPMed 0.00884; ESP Exome Variant Server 0.00916; gnomAD exomes 0.01092; ExAC 0.01458.
gnomAD v4.1: 17,062 of 1,599,032 alleles (1.1%); highest among the groups gnomAD compares: Non-Finnish European, 1.3%; 125 homozygotes.

Submission:

CeGaT Center for Human Genetics Tuebingen
Classification: Benign. Last evaluated: 2025-01-01. Review status: criteria provided, single submitter. Criteria: CeGaT Center For Human Genetics Tuebingen Variant Classification Criteria Version 2. Collection method: clinical testing. Allele origin: germline. Affected: yes. Observed: 2 variant alleles.
Comment: TENM2: BP4, BP7, BS1, BS2